The following is an entry in ClinVar:

NC_000006.12:g.43770093A>G

Genes: VEGFA (vascular endothelial growth factor A; plus strand), LOC129996535 (ATAC-STARR-seq lymphoblastoid silent region 17241; plus strand). Cytogenetic location: 6p21.1.
Variant type: single nucleotide variant.
Genome position: GRCh38 VCF-style: chr6-43770093-A-G. GRCh37 (hg19) VCF-style: chr6-43737830-A-G.
Identifiers: ClinVar variation 1226235 (VCV001226235.5), dbSNP rs1570360, ClinGen allele CA12192506.

ClinVar aggregate classification (germline): Benign (1 of 4 stars; one submission).

Allele frequency attached by ClinVar (database versions not stated): gnomAD exomes 0.70557; gnomAD 0.75749 and 0.75825; TOPMed 0.77394; 1000 Genomes Project 0.81130; 1000 Genomes Project 30x 0.81730.

Submission:

GeneDx
Classification: Benign. Last evaluated: 2021-06-19. Review status: criteria provided, single submitter. Criteria: GeneDx Variant Classification Process June 2021. Collection method: clinical testing. Allele origin: germline. Affected: yes.
Comment: This variant is associated with the following publications: (PMID: 24902660, 23962084, 12067976, 23007030, 11752046, 23404364, 10626738, 21831507)